The following is an entry in ClinVar:

ClinVar aggregate classification (germline): Uncertain significance (1 of 4 stars; one submission).

Submission:

Labcorp Genetics (formerly Invitae), Labcorp
Classification: Uncertain significance. Last evaluated: 2022-02-22. Review status: criteria provided, single submitter. Criteria: Invitae Variant Classification Sherloc (09022015). Collection method: clinical testing. Allele origin: germline.
Comment: This sequence change replaces arginine, which is basic and polar, with threonine, which is neutral and polar, at codon 1172 of the PCARE protein (p.Arg1172Thr). This variant is not present in population databases (gnomAD no frequency). This variant has not been reported in the literature in individuals affected with PCARE-related conditions. Algorithms developed to predict the effect of missense changes on protein structure and function are either unavailable or do not agree on the potential impact of this missense change (SIFT: "Deleterious"; PolyPhen-2: "Benign"; Align-GVGD: "Class C0"). In summary, the available evidence is currently insufficient to determine the role of this variant in disease. Therefore, it has been classified as a Variant of Uncertain Significance.

NM_001029883.3(PCARE):c.3515G>C (p.Arg1172Thr)

Gene: PCARE (photoreceptor cilium actin regulator; minus strand). Cytogenetic location: 2p23.2.
Variant type: single nucleotide variant.
Coding change: c.3515G>C on transcript NM_001029883.3 (MANE Select); coding-DNA position 3515, G replaced by C.
Protein change: p.Arg1172Thr; replaces arginine 1172 with threonine.
Molecular consequence: missense variant.
Genome position (GRCh38, 1-based): chr2:29,070,747, C>G on the plus strand (G>C on the coding strand, the complement: PCARE is on the minus strand). VCF-style: chr2-29070747-C-G. GRCh37 (hg19) VCF-style: chr2-29293613-C-G.
Other names: short protein forms R1172T.
Identifiers: ClinVar variation 2053309 (VCV002053309.4), dbSNP rs2465273062, ClinGen allele CA346474680.